The following is an entry in ClinVar:

ClinVar aggregate classification (germline): Uncertain significance (1 of 4 stars; one submission).

gnomAD v4.1: 1 of 1,613,838 alleles (0.000062%); highest among the groups gnomAD compares: African/African-American, 0.0013%; no homozygotes.

Submission:

GeneDx
Classification: Uncertain significance. Last evaluated: 2025-06-12. Review status: criteria provided, single submitter. Criteria: GeneDx Variant Classification Process June 2021. Collection method: clinical testing. Allele origin: germline. Affected: yes.
Comment: Not observed at significant frequency in large population cohorts (gnomAD); In silico analysis supports that this missense variant has a deleterious effect on protein structure/function; Has not been previously published as pathogenic or benign to our knowledge

NM_212552.3(BOLA3):c.201T>G (p.Ile67Met)

Gene: BOLA3 (bolA family member 3; minus strand). Cytogenetic location: 2p13.1.
Variant type: single nucleotide variant.
Coding change: c.201T>G on transcript NM_212552.3 (MANE Select); coding-DNA position 201, T replaced by G.
Protein change: p.Ile67Met; replaces isoleucine 67 with methionine.
Molecular consequence: missense variant. On other transcripts: intron variant (1).
Genome position (GRCh38, 1-based): chr2:74,142,329, A>C on the plus strand (T>G on the coding strand, the complement: BOLA3 is on the minus strand). VCF-style: chr2-74142329-A-C. GRCh37 (hg19) VCF-style: chr2-74369456-A-C.
Other names: c.169+2860T>G (NM_001035505.2); short protein forms I67M.
Identifiers: ClinVar variation 4538177 (VCV004538177.1).